The following is an entry in ClinVar:

NM_000391.4(TPP1):c.797_801dup (p.Arg268fs)

Gene: TPP1 (tripeptidyl peptidase 1; minus strand). Cytogenetic location: 11p15.4.
Variant type: Duplication.
Coding change: c.797_801dup on transcript NM_000391.4 (MANE Select); coding-DNA positions 797 to 801, 5 bases duplicated (GGGGC; older notation c.797_801dupGGGGC).
Protein change: p.Arg268fs; shifts the reading frame from arginine 268.
Molecular consequence: frameshift variant.
Genome position (GRCh38, 1-based): chr11:6,616,746-6,616,750, GCCCC duplicated on the plus strand (GGGGC on the coding strand, the reverse complement: TPP1 is on the minus strand); duplicating any 5 consecutive bases within chr11:6,616,746-6,616,751 gives the same sequence; the c. name uses the placement nearest the transcript's 3' end. VCF-style (leftmost placement, unchanged base first): chr11-6616745-G-GGCCCC. GRCh37 (hg19) VCF-style: chr11-6637976-G-GGCCCC.
Other names: short protein forms R268fs.
Identifiers: ClinVar variation 4081813 (VCV004081813.1).

ClinVar aggregate classification (germline): Pathogenic (1 of 4 stars; one submission).

Conditions:
Neuronal ceroid lipofuscinosis 2. Also called: TPP1-Related Neuronal Ceroid-Lipofuscinosis; JANSKY-BIELSCHOWSKY DISEASE NEURONAL CEROID LIPOFUSCINOSIS, LATE INFANTILE. Identifiers: Orphanet 168491, Orphanet 228349, Orphanet 79264, MedGen C1876161, MONDO:0008769, OMIM 204500.

Submission:

Myriad Genetics, Inc.
Classification: Pathogenic for Neuronal ceroid lipofuscinosis 2. Last evaluated: 2025-05-08. Review status: criteria provided, single submitter. Criteria: Myriad Autosomal Dominant, Autosomal Recessive and X-Linked Classification Criteria (2023). Collection method: clinical testing. Allele origin: unknown.
Comment: NM_000391.3(TPP1):c.797_801dup5(R268Gfs*10) is a frameshift variant classified as pathogenic in the context of TPP1-related neuronal ceroid lipofuscinosis. R268Gfs*10 has not been observed in cases with relevant disease. Relevant functional assessments of this variant are not available in the literature. R268Gfs*10 has not been observed in referenced population frequency databases. In summary, NM_000391.3(TPP1):c.797_801dup5(R268Gfs*10) is a frameshift variant in a gene where loss of function is a known mechanism of disease and is predicted to disrupt protein function. Please note: this variant was assessed in the context of healthy population screening.